The following is an entry in ClinVar:

NM_001353694.2(TIAM1):c.330C>T (p.Pro110=)

Gene: TIAM1 (TIAM Rac1 associated GEF 1; minus strand). Cytogenetic location: 21q22.11.
Variant type: single nucleotide variant.
Coding change: c.330C>T on transcript NM_001353694.2 (MANE Select); coding-DNA position 330, C replaced by T.
Protein change: p.Pro110=; no amino-acid change (proline 110 retained).
Molecular consequence: synonymous variant.
Genome position (GRCh38, 1-based): chr21:31,266,643, G>A on the plus strand (C>T on the coding strand, the complement: TIAM1 is on the minus strand). VCF-style: chr21-31266643-G-A. GRCh37 (hg19) VCF-style: chr21-32638959-G-A.
Other names: c.330C>T, p.Pro110= (NM_001353686.2, NM_001353687.2, NM_001353688.1 and 6 more transcripts).
Identifiers: ClinVar variation 3044122 (VCV003044122.2), dbSNP rs141010038, ClinGen allele CA9998697.
Genomic context (GRCh38, chr21:31,266,643, plus strand): 5'-CTCAGTGTCTGGCATGCTCTGCACAGAGGCTGCTGTGAGGACGATGCTGCTGTCTACGCT[G>A]GGAGTGACAGAAGAGTCAGTGTAAGACACAGGTCTCAAGCCCATGTCCACTCGGTCCACC-3'
Protein context (NP_001340623.1, residues 100-120): PVSYTDSSVT[Pro110=]SVDSSIVLTA

ClinVar aggregate classification (germline): Likely benign (0 of 4 stars; one submission).

Conditions:
TIAM1-related disorder. Also called: TIAM1-related condition.

Allele frequency attached by ClinVar (database versions not stated): 1000 Genomes Project 30x 0.00031; 1000 Genomes Project 0.00040; ExAC 0.00064; gnomAD 0.00076; ESP Exome Variant Server 0.00077; gnomAD exomes 0.00083; TOPMed 0.00106.
gnomAD v4.1: 1,348 of 1,614,208 alleles (0.084%); highest among the groups gnomAD compares: Admixed American, 0.17%; no homozygotes.

Submission:

PreventionGenetics, part of Exact Sciences
Classification: Likely benign for TIAM1-related condition. Last evaluated: 2019-12-16. Review status: no assertion criteria provided. Collection method: clinical testing. Allele origin: germline.
Comment: This variant is classified as likely benign based on ACMG/AMP sequence variant interpretation guidelines (Richards et al. 2015 PMID: 25741868, with internal and published modifications).